The following is an entry in ClinVar:

NM_023110.3(FGFR1):c.1958A>G (p.Tyr653Cys)

Gene: FGFR1 (fibroblast growth factor receptor 1; minus strand). Cytogenetic location: 8p11.23.
Variant type: single nucleotide variant.
Coding change: c.1958A>G on transcript NM_023110.3 (MANE Select); coding-DNA position 1958, A replaced by G.
Protein change: p.Tyr653Cys; replaces tyrosine 653 with cysteine.
Molecular consequence: missense variant.
Genome position (GRCh38, 1-based): chr8:38,414,798, T>C on the plus strand (A>G on the coding strand, the complement: FGFR1 is on the minus strand). VCF-style: chr8-38414798-T-C. GRCh37 (hg19) VCF-style: chr8-38272316-T-C.
Other names: c.1952A>G, p.Tyr651Cys (NM_001174063.2, NM_001174065.2, NM_001354367.2 and 1 more transcripts); c.1928A>G, p.Tyr643Cys (NM_001174064.2); c.1691A>G, p.Tyr564Cys (NM_001174066.2, NM_023105.3); c.2051A>G, p.Tyr684Cys (NM_001174067.2); c.1679A>G, p.Tyr560Cys (NM_001354368.2); c.1946A>G, p.Tyr649Cys (NM_001354369.2, NM_001410922.1); c.1685A>G, p.Tyr562Cys (NM_001354370.2, NM_023106.3); short protein forms Y560C, Y562C, Y564C, Y643C, Y649C, Y651C, Y653C, Y684C.
Identifiers: ClinVar variation 3381222 (VCV003381222.2).

ClinVar aggregate classification (germline): Likely pathogenic (1 of 4 stars; one submission).

Conditions:
Hartsfield-Bixler-Demyer syndrome (HRTFDS). Also called: FGFR1-Related Hartsfield Syndrome; Holoprosencephaly, ectrodactyly, and bilateral cleft lip/palate; Hartsfield syndrome. Identifiers: Orphanet 2117, MedGen C1845146, MONDO:0014196, OMIM 615465. Disease mechanism: loss of function.

gnomAD v4.1: 2 of 1,613,974 alleles (0.00012%); highest among the groups gnomAD compares: Admixed American, 0.0017%; no homozygotes.

Submission:

Servicio de Genética Del Instituto Nacional de Salud Del Niño, Ministerio de Salud
Classification: Likely pathogenic for Hartsfield-Bixler-Demyer syndrome. Last evaluated: 2024-11-18. Review status: criteria provided, single submitter. Criteria: ACMG Guidelines, 2015. Collection method: clinical testing. Allele origin: germline. Inheritance: Autosomal dominant inheritance. Affected: yes.
Comment: The variant NM_023110.3:c.1958A>G (p.Tyr653Cys) results in a tyrosine-to-cysteine substitution at codon 653. According to ACMG/AMP guidelines, this variant meets the criteria for PM1, PP2, PM2, and PP3, supporting its classification as likely pathogenic